The following is an entry in ClinVar:

NM_005045.4(RELN):c.2069+94G>A

Gene: RELN (reelin; minus strand). Cytogenetic location: 7q22.1.
Variant type: single nucleotide variant.
Coding change: c.2069+94G>A on transcript NM_005045.4 (MANE Select); 94 bases into the intron after coding-DNA position 2069, G replaced by A.
Molecular consequence: intron variant.
Genome position (GRCh38, 1-based): chr7:103,640,449, C>T on the plus strand (G>A on the coding strand, the complement: RELN is on the minus strand). VCF-style: chr7-103640449-C-T. GRCh37 (hg19) VCF-style: chr7-103280896-C-T.
Other names: c.2069+94G>A (NM_173054.3).
Identifiers: ClinVar variation 669115 (VCV000669115.2), dbSNP rs145527, ClinGen allele CA12517236.

ClinVar aggregate classification (germline): Benign. Review status: criteria provided, multiple submitters, no conflicts (2 of 4 stars). 2 submissions from 2 submitters: Benign (2). Last evaluated 2018-06-14.

Allele frequency attached by ClinVar (database versions not stated): TOPMed 0.20815; 1000 Genomes Project 30x 0.21065; gnomAD 0.21641 and 0.22269; 1000 Genomes Project 0.21645; gnomAD exomes 0.30129.
gnomAD v4.1: 364,923 of 1,253,710 alleles (29%); highest among the groups gnomAD compares: South Asian, 35%; 56,734 homozygotes.

Submissions (2):

GeneDx
Classification: Benign. Last evaluated: 2018-06-14. Review status: criteria provided, single submitter. Criteria: GeneDx Variant Classification (06012015). Collection method: clinical testing. Allele origin: germline. Affected: yes.
Comment: This variant is considered likely benign or benign based on one or more of the following criteria: it is a conservative change, it occurs at a poorly conserved position in the protein, it is predicted to be benign by multiple in silico algorithms, and/or has population frequency not consistent with disease.

Breakthrough Genomics
Classification: Benign. Review status: criteria provided, single submitter. Criteria: ACMG Guidelines, 2015. Collection method: not provided. Allele origin: germline. Inheritance: Autosomal recessive inheritance. Affected: yes.